The following is an entry in ClinVar:

ClinVar aggregate classification (germline): Pathogenic (1 of 4 stars; one submission).

Submission:

Labcorp Genetics (formerly Invitae), Labcorp
Classification: Pathogenic. Last evaluated: 2022-08-15. Review status: criteria provided, single submitter. Criteria: Invitae Variant Classification Sherloc (09022015). Collection method: clinical testing. Allele origin: germline.
Comment: Isolated whole-gene deletion of TIMM8A have not been reported in the literature. However, larger copy number events that include this gene have been reported (PMID: 15037720, 17851739, 21753765, 27048950, 30634948). For these reasons, this variant has been classified as Pathogenic. A gross deletion of the genomic region encompassing the full coding sequence of the TIMM8A gene has been identified. Loss-of-function variants in TIMM8A are known to be pathogenic (PMID: 11956200, 21984432, 22736418). The boundaries of this event are unknown as they extend beyond the assayed region for this gene and therefore may encompass additional genes.

Literature cited by the submitters: PubMed 15037720; PubMed 17851739; PubMed 21753765; PubMed 27048950; PubMed 30634948; PubMed 11956200; PubMed 21984432; PubMed 22736418.

NC_000023.10:g.(?_99551275)_(101097764_?)del

Genes: RPL36A (ribosomal protein L36a; plus strand), RPL36A-HNRNPH2 (RPL36A-HNRNPH2 readthrough; plus strand), SRPX2 (sushi repeat containing protein X-linked 2; plus strand), SYTL4 (synaptotagmin like 4; minus strand), TAF7L (TATA-box binding protein associated factor 7 like; minus strand) and 22 more. Cytogenetic location: Xq22.1.
Variant type: Deletion.
Identifiers: ClinVar variation 2425021 (VCV002425021.4).